The following is an entry in ClinVar:

ClinVar aggregate classification (germline): Uncertain significance. Review status: criteria provided, multiple submitters, no conflicts (2 of 4 stars). 2 submissions from 2 submitters: Uncertain significance (2). Last evaluated 2026-02-24.

Conditions:
Hereditary cancer-predisposing syndrome. Also called: Neoplastic Syndromes, Hereditary; Hereditary neoplastic syndrome; Tumor predisposition; Hereditary Cancer Syndrome. Identifiers: Orphanet 140162, MedGen C0027672, MeSH D009386, MONDO:0015356.

Allele frequency attached by ClinVar (database versions not stated): gnomAD exomes below 0.00001.
gnomAD v4.1: 1 of 1,614,194 alleles (0.000062%); highest among the groups gnomAD compares: Non-Finnish European, 0.000085%; no homozygotes.

Submissions (2):

Ambry Genetics
Classification: Uncertain significance for Hereditary cancer-predisposing syndrome. Last evaluated: 2026-02-24. Review status: criteria provided, single submitter. Criteria: Ambry Variant Classification Scheme 2023. Collection method: clinical testing. Allele origin: germline.
Comment: The p.V791M variant (also known as c.2371G>A), located in coding exon 5 of the PALB2 gene, results from a G to A substitution at nucleotide position 2371. The valine at codon 791 is replaced by methionine, an amino acid with highly similar properties. This amino acid position is conserved. In addition, this alteration is predicted to be tolerated by in silico analysis. Based on the available evidence, the clinical significance of this variant remains unclear.

Color Diagnostics, LLC DBA Color Health
Classification: Uncertain significance for Hereditary cancer-predisposing syndrome. Last evaluated: 2023-12-05. Review status: criteria provided, single submitter. Criteria: ACMG Guidelines, 2015. Collection method: clinical testing. Allele origin: germline.
Comment: This missense variant replaces valine with methionine at codon 791 of the PALB2 protein. Computational prediction suggests that this variant may not impact protein structure and function (internally defined REVEL score threshold <= 0.5, PMID: 27666373). To our knowledge, functional studies have not been reported for this variant. This variant has not been reported in individuals affected with PALB2-related disorders in the literature. This variant has not been identified in the general population by the Genome Aggregation Database (gnomAD). The available evidence is insufficient to determine the role of this variant in disease conclusively. Therefore, this variant is classified as a Variant of Uncertain Significance.

NM_024675.4(PALB2):c.2371G>A (p.Val791Met)

Gene: PALB2 (partner and localizer of BRCA2; minus strand). Cytogenetic location: 16p12.2.
Variant type: single nucleotide variant.
Coding change: c.2371G>A on transcript NM_024675.4 (MANE Select); coding-DNA position 2371, G replaced by A.
Protein change: p.Val791Met; replaces valine 791 with methionine.
Molecular consequence: missense variant.
Genome position (GRCh38, 1-based): chr16:23,629,783, C>T on the plus strand (G>A on the coding strand, the complement: PALB2 is on the minus strand). VCF-style: chr16-23629783-C-T. GRCh37 (hg19) VCF-style: chr16-23641104-C-T.
Other names: short protein forms V791M.
Identifiers: ClinVar variation 631288 (VCV000631288.5), dbSNP rs1567217463, ClinGen allele CA395124717.